The following is an entry in ClinVar:

NC_000007.13:g.(?_117120136)_(117144437_?)del

Gene: CFTR (CF transmembrane conductance regulator; plus strand). Cytogenetic location: 7q31.2.
Variant type: Deletion.
Identifiers: ClinVar variation 3245671 (VCV003245671.1).

ClinVar aggregate classification (germline): Pathogenic (1 of 4 stars; one submission).

Conditions:
Cystic fibrosis (CF). Also called: MUCOVISCIDOSIS. Identifiers: Orphanet 586, MedGen C0010674, MONDO:0009061, OMIM 219700. Disease mechanism: loss of function.

Submission:

Labcorp Genetics (formerly Invitae), Labcorp
Classification: Pathogenic for Cystic fibrosis. Last evaluated: 2023-07-25. Review status: criteria provided, single submitter. Criteria: Invitae Variant Classification Sherloc (09022015). Collection method: clinical testing. Allele origin: unknown.
Comment: For these reasons, this variant has been classified as Pathogenic. A similar copy number variant has been observed in individual(s) with CFTR-related conditions (PMID: 16362824, 26708955). This variant is a gross deletion of the genomic region encompassing exon(s) 1-2 of the CFTR gene, which includes the initiator codon. This deletion extends beyond the assayed region for this gene and therefore may encompass additional genes. It is expected to result in an absent or disrupted protein product. Loss-of-function variants in CFTR are known to be pathogenic (PMID: 1695717, 7691345, 9725922).

Literature cited by the submitters: PubMed 16362824; PubMed 26708955; PubMed 1695717; PubMed 7691345; PubMed 9725922.